The following is an entry in ClinVar:

NM_006206.6(PDGFRA):c.195G>C (p.Glu65Asp)

Gene: PDGFRA (platelet derived growth factor receptor alpha; plus strand). Cytogenetic location: 4q12.
Variant type: single nucleotide variant.
Coding change: c.195G>C on transcript NM_006206.6 (MANE Select); coding-DNA position 195, G replaced by C.
Protein change: p.Glu65Asp; replaces glutamic acid 65 with aspartic acid.
Molecular consequence: missense variant.
Genome position (GRCh38, 1-based): chr4:54,261,240, G>C. VCF-style: chr4-54261240-G-C. GRCh37 (hg19) VCF-style: chr4-55127407-G-C.
Other names: c.195G>C, p.Glu65Asp (NM_001347827.2, NM_001347829.2); c.270G>C, p.Glu90Asp (NM_001347828.2); c.234G>C, p.Glu78Asp (NM_001347830.2); short protein forms E65D, E90D, E78D.
Identifiers: ClinVar variation 1783403 (VCV001783403.4), dbSNP rs2475422189, ClinGen allele CA356888465.

ClinVar aggregate classification (germline): Uncertain significance. Review status: criteria provided, multiple submitters, no conflicts (2 of 4 stars). 2 submissions from 2 submitters: Uncertain significance (2). Last evaluated 2025-08-29.

Conditions:
Hereditary cancer-predisposing syndrome. Also called: Hereditary Cancer Syndrome; Hereditary neoplastic syndrome; Neoplastic Syndromes, Hereditary; Tumor predisposition. Identifiers: Orphanet 140162, MedGen C0027672, MeSH D009386, MONDO:0015356.

Submissions (2):

Ambry Genetics
Classification: Uncertain significance for Hereditary cancer-predisposing syndrome. Last evaluated: 2025-08-29. Review status: criteria provided, single submitter. Criteria: Ambry Variant Classification Scheme 2023. Collection method: clinical testing. Allele origin: germline.
Comment: The p.E65D variant (also known as c.195G>C), located in coding exon 2 of the PDGFRA gene, results from a G to C substitution at nucleotide position 195. The glutamic acid at codon 65 is replaced by aspartic acid, an amino acid with highly similar properties. This amino acid position is conserved. In addition, this alteration is predicted to be tolerated by in silico analysis. Since supporting evidence is limited at this time, the clinical significance of this alteration remains unclear.

Blueprint Genetics
Classification: Uncertain significance. Last evaluated: 2024-04-03. Review status: criteria provided, single submitter. Criteria: ACMG Guidelines, 2015. Collection method: clinical testing. Allele origin: germline.